The following is an entry in ClinVar:

ClinVar aggregate classification (germline): Pathogenic (1 of 4 stars; one submission).

Conditions:
Polycystic kidney disease, adult type (PKD1). Also called: Polycystic Kidney Disease 1, Autosomal Dominant; Polycystic kidney disease 1; Polycystic kidney disease 1, severe; Polycystic Kidney, Autosomal Dominant; POLYCYSTIC KIDNEY DISEASE 1 WITH OR WITHOUT POLYCYSTIC LIVER DISEASE; POLYCYSTIC KIDNEY DISEASE, ADULT, TYPE I. Identifiers: MedGen C3149841, MONDO:0008263, OMIM 173900.

Submission:

MVZ Medizinische Genetik Mainz
Classification: Pathogenic for Polycystic kidney disease, adult type. Last evaluated: 2022-08-05. Review status: criteria provided, single submitter. Criteria: UK Practice Guidelines For Variant Classification V4 01 2020. Collection method: clinical testing. Allele origin: germline. Inheritance: Autosomal dominant inheritance. Affected: yes. Observed: 1 variant allele.
Comment: ACMG Criteria: PVS1, PM2_SUP, PP4 (ACMG Version 4)

NM_001009944.3(PKD1):c.8554del (p.Ala2852fs)

Gene: PKD1 (polycystin 1, transient receptor potential channel interacting; minus strand). Cytogenetic location: 16p13.3.
Variant type: Deletion.
Coding change: c.8554del on transcript NM_001009944.3 (MANE Select); coding-DNA position 8554, one base deleted (G; older notation c.8554delG).
Protein change: p.Ala2852fs; shifts the reading frame from alanine 2852.
Molecular consequence: frameshift variant.
Genome position (GRCh38, 1-based): chr16:2,103,503, C deleted on the plus strand (G on the coding strand, the reverse complement: PKD1 is on the minus strand); the first of 2 consecutive C bases (chr16:2,103,503-2,103,504); deleting either gives the same sequence. VCF-style (leftmost placement, unchanged base first): chr16-2103502-GC-G. GRCh37 (hg19) VCF-style: chr16-2153503-GC-G.
Other names: c.8554del, p.Ala2852fs (NM_000296.4); short protein forms A2852fs.
Identifiers: ClinVar variation 3234108 (VCV003234108.1), dbSNP rs2544743555, ClinGen allele CA2825002368.
Genomic context (GRCh38, chr16:2,103,502, plus strand): 5'-ATGGCGCGCTCTGAGGCCAGCCGCTCGATGGGGATCTGGGCGCCGGCCTGTGTCTGGAAT[GC>G]CATCGAGGCCACCTTGGTGGAGACGGTGTAGTTGCTGATATAGCCAAAGGGAAAGGGATT-3'